The following is an entry in ClinVar:

ClinVar aggregate classification (germline): Benign. Review status: criteria provided, multiple submitters, no conflicts (2 of 4 stars). 10 submissions from 10 submitters: Benign (8). 2 of the submissions do not count toward it. Last evaluated 2026-02-03.

Conditions:
Cardiovascular phenotype. Identifiers: MedGen CN230736.
Hypertrophic cardiomyopathy 19. Also called: Familial hypertrophic cardiomyopathy 19. Identifiers: MedGen CN077603, MONDO:0013476.

Allele frequency attached by ClinVar (database versions not stated): ESP Exome Variant Server 0.02076; gnomAD 0.02701 and 0.02726; ExAC 0.03012; TOPMed 0.03107; gnomAD exomes 0.03468; 1000 Genomes Project 0.04213; 1000 Genomes Project 30x 0.04388.
gnomAD v4.1: 20,136 of 1,614,166 alleles (1.2%); highest among the groups gnomAD compares: Admixed American, 15%; 1,058 homozygotes.

Submissions (10):

Labcorp Genetics (formerly Invitae), Labcorp
Classification: Benign for Hypertrophic cardiomyopathy 19. Last evaluated: 2026-02-03. Review status: criteria provided, single submitter. Criteria: Invitae Variant Classification Sherloc (09022015). Collection method: clinical testing. Allele origin: germline.

GeneDx
Classification: Benign. Last evaluated: 2021-05-04. Review status: criteria provided, single submitter. Criteria: GeneDx Variant Classification Process June 2021. Collection method: clinical testing. Allele origin: germline. Affected: yes.

Women's Health and Genetics/Laboratory Corporation of America, LabCorp
Classification: Benign. Last evaluated: 2017-08-17. Review status: criteria provided, single submitter. Criteria: LabCorp Variant Classification Summary - May 2015. Collection method: clinical testing. Allele origin: germline.
Comment: Variant summary: The CALR3 c.820G>A (p.Val274Ile) variant involves the alteration of a non-conserved nucleotide. 5/5 in silico tools predict benign outcome for this variant. This variant was found in 3671/123152 control chromosomes (320 homozygotes) from ExAC and literature, predominantly observed in the Latino subpopulation at a frequency of 0.214458 (2483/11578). This frequency is about 8578 times the estimated maximal expected allele frequency of a pathogenic CALR3 variant (0.000025), thus this is a common benign polymorphism found primarily in the populations of Latino origin. In addition, multiple clinical diagnostic laboratories/reputable databases in ClinVar have classified this variant as benign. To our knowledge, this variant has not been reported in affected individuals in literature. Taken together, this variant is classified as benign.

Genome Diagnostics Laboratory, University Medical Center Utrecht
Classification: Benign for Hypertrophic cardiomyopathy 1. Last evaluated: 2016-10-03. Review status: criteria provided, single submitter. Criteria: ACGS Guidelines, 2013. Collection method: clinical testing. Allele origin: germline. Affected: yes. Study: VKGL Data-share Consensus.

Clinical Genetics DNA and cytogenetics Diagnostics Lab, Erasmus MC, Erasmus Medical Center
Classification: Benign for Hypertrophic cardiomyopathy 1. Last evaluated: 2015-09-21. Review status: criteria provided, single submitter. Criteria: ACGS Guidelines, 2013. Collection method: clinical testing. Allele origin: germline. Affected: yes. Study: VKGL Data-share Consensus.

Biesecker Lab/Clinical Genomics Section, National Institutes of Health
Classification: Benign. Last evaluated: 2013-06-24. Review status: criteria provided, single submitter. Criteria: Ng et al. (Circ Cardiovasc Genet. 2013). Collection method: research. Allele origin: unknown. Observed: 12 variant alleles. Study: ClinSeq.
Comment: The study set was not selected for affection status in relation to any cancer. Pathogenicity categories were based on literature curation. See Pubmed ID:23861362 for details.

Medical sequencing

Ambry Genetics
Classification: Benign for Cardiovascular phenotype. Last evaluated: 2012-10-03. Review status: criteria provided, single submitter. Criteria: Ambry Autosomal Dominant and X-Linked criteria (10/2015). Collection method: clinical testing. Allele origin: germline. Observed: 1 variant allele.
Comment: General population or subpopulation frequency is too high to be a pathogenic mutation based on disease/syndrome prevalence and penetrance

Breakthrough Genomics
Classification: Benign. Review status: criteria provided, single submitter. Criteria: ACMG Guidelines, 2015. Collection method: not provided. Allele origin: germline. Inheritance: Unknown mechanism. Affected: yes.

Clinical Genetics, Academic Medical Center
Classification: Benign. Review status: no assertion criteria provided. Collection method: clinical testing. Allele origin: germline. Affected: yes. Study: VKGL Data-share Consensus. Not counted in ClinVar's aggregate classification.

Joint Genome Diagnostic Labs from Nijmegen and Maastricht, Radboudumc and MUMC+
Classification: Benign. Review status: no assertion criteria provided. Collection method: clinical testing. Allele origin: germline. Affected: yes. Study: VKGL Data-share Consensus. Not counted in ClinVar's aggregate classification.

Literature cited by the submitters: PubMed 23861362 (cited by Women's Health and Genetics/Laboratory Corporation of America, LabCorp).

NM_145046.5(CALR3):c.820G>A (p.Val274Ile)

Gene: CALR3 (calreticulin 3; minus strand). Cytogenetic location: 19p13.11.
Variant type: single nucleotide variant.
Coding change: c.820G>A on transcript NM_145046.5 (MANE Select); coding-DNA position 820, G replaced by A.
Protein change: p.Val274Ile; replaces valine 274 with isoleucine.
Molecular consequence: missense variant.
Genome position (GRCh38, 1-based): chr19:16,482,548, C>T on the plus strand (G>A on the coding strand, the complement: CALR3 is on the minus strand). VCF-style: chr19-16482548-C-T. GRCh37 (hg19) VCF-style: chr19-16593359-C-T.
Other names: short protein forms V274I.
Identifiers: ClinVar variation 192183 (VCV000192183.19), dbSNP rs12459238, ClinGen allele CA199993.